The following is an entry in ClinVar:

NM_001164462.2(MUC12):c.9615T>G (p.Pro3205=)

Gene: MUC12 (mucin 12, cell surface associated; plus strand). Cytogenetic location: 7q22.1.
Variant type: single nucleotide variant.
Coding change: c.9615T>G on transcript NM_001164462.2 (MANE Select); coding-DNA position 9615, T replaced by G.
Protein change: p.Pro3205=; no amino-acid change (proline 3205 retained).
Molecular consequence: synonymous variant.
Genome position (GRCh38, 1-based): chr7:101,000,178, T>G. VCF-style: chr7-101000178-T-G. GRCh37 (hg19) VCF-style: chr7-100643459-T-G.
Identifiers: ClinVar variation 4083981 (VCV004083981.8).
Genomic context (GRCh38, chr7:101,000,178, plus strand): 5'-TGGTCCAGAATCTACTACCTTCCACAGCGGCCCAGGCTCCACTGAAACAACACTCTTACC[T>G]GACAACACCACAGCCTCAGGCCTCCTTGAAGCATCTACGCCCGTCCACAGCAGCACTGGA-3'
Protein context (NP_001157934.1, residues 3195-3215): GPGSTETTLL[Pro3205=]DNTTASGLLE

ClinVar aggregate classification (germline): Likely benign (1 of 4 stars; one submission).

Submission:

CeGaT Center for Human Genetics Tuebingen
Classification: Likely benign. Last evaluated: 2025-08-01. Review status: criteria provided, single submitter. Criteria: CeGaT Center For Human Genetics Tuebingen Variant Classification Criteria Version 2. Collection method: clinical testing. Allele origin: germline. Affected: yes. Observed: 1 variant allele.
Comment: MUC12: PM2:Supporting, BP4, BP7